The following is an entry in ClinVar:

NM_020458.4(TTC7A):c.35A>G (p.Lys12Arg)

Genes: MCFD2 (multiple coagulation factor deficiency 2, ER cargo receptor complex subunit; minus strand), TTC7A (tetratricopeptide repeat domain 7A; plus strand). Cytogenetic location: 2p21.
Variant type: single nucleotide variant.
Coding change: c.35A>G on transcript NM_020458.4 (MANE Select); coding-DNA position 35, A replaced by G.
Protein change: p.Lys12Arg; replaces lysine 12 with arginine.
Molecular consequence: missense variant. On other transcripts: 5 prime UTR variant (2), intron variant (1).
Genome position (GRCh38, 1-based): chr2:46,941,576, A>G. VCF-style: chr2-46941576-A-G. GRCh37 (hg19) VCF-style: chr2-47168715-A-G.
Other names: c.35A>G, p.Lys12Arg (NM_001288951.2); c.-870A>G (NM_001288955.2); c.-11T>C (NM_001171508.2); c.88T>C, p.Phe30Leu (NM_001171511.3); c.83-8787A>G (NM_001288953.2); short protein forms F30L, K12R.
Identifiers: ClinVar variation 2069745 (VCV002069745.1), dbSNP rs1479331669, ClinGen allele CA346715574.

ClinVar aggregate classification (germline): Uncertain significance (1 of 4 stars; one submission).

Conditions:
Multiple gastrointestinal atresias. Also called: FAMILIAL INTESTINAL POLYATRESIA SYNDROME; Multiple intestinal atresia. Identifiers: Orphanet 2300, MedGen C0220744, MONDO:0009465.

Allele frequency attached by ClinVar (database versions not stated): TOPMed below 0.00001; gnomAD exomes 0.00001.
gnomAD v4.1: 7 of 1,557,724 alleles (0.00045%); highest among the groups gnomAD compares: Non-Finnish European, 0.00061%; no homozygotes.

Submission:

Labcorp Genetics (formerly Invitae), Labcorp
Classification: Uncertain significance for Multiple gastrointestinal atresias. Last evaluated: 2021-12-15. Review status: criteria provided, single submitter. Criteria: Invitae Variant Classification Sherloc (09022015). Collection method: clinical testing. Allele origin: germline.
Comment: This sequence change replaces lysine, which is basic and polar, with arginine, which is basic and polar, at codon 12 of the TTC7A protein (p.Lys12Arg). This variant is not present in population databases (gnomAD no frequency). This variant has not been reported in the literature in individuals affected with TTC7A-related conditions. Algorithms developed to predict the effect of missense changes on protein structure and function (SIFT, PolyPhen-2, Align-GVGD) all suggest that this variant is likely to be tolerated. In summary, the available evidence is currently insufficient to determine the role of this variant in disease. Therefore, it has been classified as a Variant of Uncertain Significance.